The following is an entry in ClinVar:

ClinVar aggregate classification (germline): Uncertain significance (1 of 4 stars; one submission).

Allele frequency attached by ClinVar (database versions not stated): gnomAD exomes below 0.00001 and 0.00001; TOPMed below 0.00001; gnomAD 0.00001.
gnomAD v4.1: 5 of 1,553,576 alleles (0.00032%); highest among the groups gnomAD compares: East Asian, 0.0068%; no homozygotes.

Submission:

Labcorp Genetics (formerly Invitae), Labcorp
Classification: Uncertain significance. Last evaluated: 2022-03-19. Review status: criteria provided, single submitter. Criteria: Invitae Variant Classification Sherloc (09022015). Collection method: clinical testing. Allele origin: germline.
Comment: This sequence change replaces glycine, which is neutral and non-polar, with aspartic acid, which is acidic and polar, at codon 2383 of the ADGRV1 protein (p.Gly2383Asp). The frequency data for this variant in the population databases is considered unreliable, as metrics indicate poor data quality at this position in the gnomAD database. This variant has not been reported in the literature in individuals affected with ADGRV1-related conditions. ClinVar contains an entry for this variant (Variation ID: 1009345). Algorithms developed to predict the effect of missense changes on protein structure and function are either unavailable or do not agree on the potential impact of this missense change (SIFT: "Deleterious"; PolyPhen-2: "Probably Damaging"; Align-GVGD: "Class C0"). Algorithms developed to predict the effect of sequence changes on RNA splicing suggest that this variant may create or strengthen a splice site. In summary, the available evidence is currently insufficient to determine the role of this variant in disease. Therefore, it has been classified as a Variant of Uncertain Significance.

NM_032119.4(ADGRV1):c.7148G>A (p.Gly2383Asp)

Gene: ADGRV1 (adhesion G protein-coupled receptor V1; plus strand). Cytogenetic location: 5q14.3.
Variant type: single nucleotide variant.
Coding change: c.7148G>A on transcript NM_032119.4 (MANE Select); coding-DNA position 7148, G replaced by A.
Protein change: p.Gly2383Asp; replaces glycine 2383 with aspartic acid.
Molecular consequence: missense variant. On other transcripts: non-coding transcript variant (1).
Genome position (GRCh38, 1-based): chr5:90,693,904, G>A. VCF-style: chr5-90693904-G-A. GRCh37 (hg19) VCF-style: chr5-89989721-G-A.
Other names: short protein forms G2383D.
Identifiers: ClinVar variation 1009345 (VCV001009345.7), dbSNP rs1207930541, ClinGen allele CA360373673.